The following is an entry in ClinVar:

NM_005732.4(RAD50):c.1564G>A (p.Asp522Asn)

Gene: RAD50 (RAD50 double strand break repair protein; plus strand). Cytogenetic location: 5q31.1.
Variant type: single nucleotide variant.
Coding change: c.1564G>A on transcript NM_005732.4 (MANE Select); coding-DNA position 1564, G replaced by A.
Protein change: p.Asp522Asn; replaces aspartic acid 522 with asparagine.
Molecular consequence: missense variant.
Genome position (GRCh38, 1-based): chr5:132,591,335, G>A. VCF-style: chr5-132591335-G-A. GRCh37 (hg19) VCF-style: chr5-131927027-G-A.
Other names: short protein forms D522N.
Identifiers: ClinVar variation 1775341 (VCV001775341.3), dbSNP rs2149842252, ClinGen allele CA360945908.

ClinVar aggregate classification (germline): Uncertain significance (1 of 4 stars; one submission).

Conditions:
Hereditary cancer-predisposing syndrome. Also called: Hereditary Cancer Syndrome; Hereditary neoplastic syndrome; Neoplastic Syndromes, Hereditary; Tumor predisposition. Identifiers: Orphanet 140162, MedGen C0027672, MeSH D009386, MONDO:0015356.

Submission:

Ambry Genetics
Classification: Uncertain significance for Hereditary cancer-predisposing syndrome. Last evaluated: 2023-03-31. Review status: criteria provided, single submitter. Criteria: Ambry Variant Classification Scheme 2023. Collection method: clinical testing. Allele origin: germline.
Comment: The p.D522N variant (also known as c.1564G>A), located in coding exon 10 of the RAD50 gene, results from a G to A substitution at nucleotide position 1564. The aspartic acid at codon 522 is replaced by asparagine, an amino acid with highly similar properties. This amino acid position is highly conserved in available vertebrate species. In addition, this alteration is predicted to be tolerated by in silico analysis. Since supporting evidence is limited at this time, the clinical significance of this alteration remains unclear.